The following is an entry in ClinVar:

NM_017636.4(TRPM4):c.1608C>G (p.Ser536Arg)

Gene: TRPM4 (transient receptor potential cation channel subfamily M member 4; plus strand). Cytogenetic location: 19q13.33.
Variant type: single nucleotide variant.
Coding change: c.1608C>G on transcript NM_017636.4 (MANE Select); coding-DNA position 1608, C replaced by G.
Protein change: p.Ser536Arg; replaces serine 536 with arginine.
Molecular consequence: missense variant. On other transcripts: intron variant (1).
Genome position (GRCh38, 1-based): chr19:49,182,922, C>G. VCF-style: chr19-49182922-C-G. GRCh37 (hg19) VCF-style: chr19-49686179-C-G.
Other names: c.1608C>G, p.Ser536Arg (NM_001195227.2); c.1263C>G, p.Ser421Arg (NM_001321281.2); c.1086C>G, p.Ser362Arg (NM_001321283.2); c.546C>G, p.Ser182Arg (NM_001321285.2); c.-1+55C>G (NM_001321282.2); short protein forms S362R, S182R, S421R, S536R.
Identifiers: ClinVar variation 1776329 (VCV001776329.2), dbSNP rs778308310, ClinGen allele CA9569233.

ClinVar aggregate classification (germline): Uncertain significance (1 of 4 stars; one submission).

Conditions:
Cardiovascular phenotype. Identifiers: MedGen CN230736.

Allele frequency attached by ClinVar (database versions not stated): TOPMed below 0.00001; ExAC 0.00001; gnomAD 0.00001; gnomAD exomes 0.00002.
gnomAD v4.1: 24 of 1,588,688 alleles (0.0015%); highest among the groups gnomAD compares: African/African-American, 0.0027%; no homozygotes.

Submission:

Ambry Genetics
Classification: Uncertain significance for Cardiovascular phenotype. Last evaluated: 2023-09-21. Review status: criteria provided, single submitter. Criteria: Ambry Variant Classification Scheme 2023. Collection method: clinical testing. Allele origin: germline.
Comment: The p.S536R variant (also known as c.1608C>G), located in coding exon 11 of the TRPM4 gene, results from a C to G substitution at nucleotide position 1608. The amino acid change results in serine to arginine at codon 536, an amino acid with dissimilar properties. However, this change occurs in the last base pair of coding exon 11, which makes it likely to have some effect on normal mRNA splicing. This amino acid position is not well conserved in available vertebrate species. In addition, this alteration is predicted to be tolerated by in silico analysis. Since supporting evidence is limited at this time, the clinical significance of this alteration remains unclear.